The following is an entry in ClinVar:

NM_017775.4(TTC19):c.1012A>G (p.Lys338Glu)

Gene: TTC19 (tetratricopeptide repeat domain 19; plus strand). Cytogenetic location: 17p12.
Variant type: single nucleotide variant.
Coding change: c.1012A>G on transcript NM_017775.4 (MANE Select); coding-DNA position 1012, A replaced by G.
Protein change: p.Lys338Glu; replaces lysine 338 with glutamic acid.
Molecular consequence: missense variant.
Genome position (GRCh38, 1-based): chr17:16,027,391, A>G. VCF-style: chr17-16027391-A-G. GRCh37 (hg19) VCF-style: chr17-15930705-A-G.
Other names: c.691A>G, p.Lys231Glu (NM_001271420.2); c.1375A>G (NM_017775.2); short protein forms K231E, K338E.
Identifiers: ClinVar variation 2004603 (VCV002004603.3), dbSNP rs779384602, ClinGen allele CA8407588.
Genomic context (GRCh38, chr17:16,027,391, plus strand): 5'-ATACACTTTCTTCTTACTGTCCCTTCTCTCTGGGTTATTTTAGAACGATATACACAAGCA[A>G]AAGAGATCTACCAGGAAGCACTGAAGCAAGCAAAGCTGAAAAAAGATGAAATTTCTGTAC-3'
Protein context (NP_060245.3, residues 328-348): LMHRERYTQA[Lys338Glu]EIYQEALKQA

ClinVar aggregate classification (germline): Uncertain significance. Review status: criteria provided, multiple submitters, no conflicts (2 of 4 stars). 2 submissions from 2 submitters: Uncertain significance (2). Last evaluated 2025-02-17.

Conditions:
Inborn genetic diseases. Identifiers: MedGen C0950123, MeSH D030342.

Allele frequency attached by ClinVar (database versions not stated): ExAC 0.00001; gnomAD exomes 0.00001.
gnomAD v4.1: 6 of 1,614,100 alleles (0.00037%); highest among the groups gnomAD compares: Admixed American, 0.01%; no homozygotes.

Submissions (2):

Labcorp Genetics (formerly Invitae), Labcorp
Classification: Uncertain significance. Last evaluated: 2025-02-17. Review status: criteria provided, single submitter. Criteria: Invitae Variant Classification Sherloc (09022015). Collection method: clinical testing. Allele origin: germline.
Comment: This sequence change replaces lysine, which is basic and polar, with glutamic acid, which is acidic and polar, at codon 338 of the TTC19 protein (p.Lys338Glu). This variant is present in population databases (rs779384602, gnomAD 0.01%). This variant has not been reported in the literature in individuals affected with TTC19-related conditions. ClinVar contains an entry for this variant (Variation ID: 2004603). Invitae Evidence Modeling of protein sequence and biophysical properties (such as structural, functional, and spatial information, amino acid conservation, physicochemical variation, residue mobility, and thermodynamic stability) indicates that this missense variant is not expected to disrupt TTC19 protein function with a negative predictive value of 80%. In summary, the available evidence is currently insufficient to determine the role of this variant in disease. Therefore, it has been classified as a Variant of Uncertain Significance.

Ambry Genetics
Classification: Uncertain significance for Inborn genetic diseases. Last evaluated: 2024-01-08. Review status: criteria provided, single submitter. Criteria: Ambry Variant Classification Scheme 2023. Collection method: clinical testing. Allele origin: germline.